The following is an entry in ClinVar:

NM_014264.5(PLK4):c.1975C>G (p.Leu659Val)

Gene: PLK4 (polo like kinase 4; plus strand). Cytogenetic location: 4q28.1.
Variant type: single nucleotide variant.
Coding change: c.1975C>G on transcript NM_014264.5 (MANE Select); coding-DNA position 1975, C replaced by G.
Protein change: p.Leu659Val; replaces leucine 659 with valine.
Molecular consequence: missense variant.
Genome position (GRCh38, 1-based): chr4:127,891,618, C>G. VCF-style: chr4-127891618-C-G. GRCh37 (hg19) VCF-style: chr4-128812773-C-G.
Other names: c.1879C>G, p.Leu627Val (NM_001190799.2); c.1852C>G, p.Leu618Val (NM_001190801.2); c.1975C>G (NM_014264.4); short protein forms L618V, L627V, L659V.
Identifiers: ClinVar variation 2142577 (VCV002142577.2), dbSNP rs1371595006, ClinGen allele CA358158483.

ClinVar aggregate classification (germline): Uncertain significance. Review status: criteria provided, multiple submitters, no conflicts (2 of 4 stars). 2 submissions from 2 submitters: Uncertain significance (2). Last evaluated 2022-08-22.

Conditions:
Inborn genetic diseases. Identifiers: MedGen C0950123, MeSH D030342.

Allele frequency attached by ClinVar (database versions not stated): TOPMed below 0.00001; gnomAD exomes 0.00001.
gnomAD v4.1: 13 of 1,559,374 alleles (0.00083%); highest among the groups gnomAD compares: African/African-American, 0.011%; no homozygotes.

Submissions (2):

Labcorp Genetics (formerly Invitae), Labcorp
Classification: Uncertain significance. Last evaluated: 2022-08-22. Review status: criteria provided, single submitter. Criteria: Invitae Variant Classification Sherloc (09022015). Collection method: clinical testing. Allele origin: germline.
Comment: This sequence change replaces leucine, which is neutral and non-polar, with valine, which is neutral and non-polar, at codon 659 of the PLK4 protein (p.Leu659Val). This variant is present in population databases (no rsID available, gnomAD no frequency). This variant has not been reported in the literature in individuals affected with PLK4-related conditions. Algorithms developed to predict the effect of missense changes on protein structure and function are either unavailable or do not agree on the potential impact of this missense change (SIFT: "Tolerated"; PolyPhen-2: "Probably Damaging"; Align-GVGD: "Class C0"). In summary, the available evidence is currently insufficient to determine the role of this variant in disease. Therefore, it has been classified as a Variant of Uncertain Significance.

Ambry Genetics
Classification: Uncertain significance for Inborn genetic diseases. Last evaluated: 2022-07-24. Review status: criteria provided, single submitter. Criteria: Ambry Variant Classification Scheme 2023. Collection method: clinical testing. Allele origin: germline.